The following is an entry in ClinVar:

ClinVar aggregate classification (germline): Uncertain significance. Review status: criteria provided, multiple submitters, no conflicts (2 of 4 stars). 2 submissions from 2 submitters: Uncertain significance (2). Last evaluated 2024-10-03.

Conditions:
Intellectual disability-facial dysmorphism syndrome due to SETD5 haploinsufficiency (MRD23). Also called: Intellectual developmental disorder, autosomal dominant 23. Identifiers: Orphanet 404440, MedGen C3810406, MONDO:0014336, OMIM 615761.

Submissions (2):

GeneDx
Classification: Uncertain significance. Last evaluated: 2024-10-03. Review status: criteria provided, single submitter. Criteria: GeneDx Variant Classification Process June 2021. Collection method: clinical testing. Allele origin: germline. Affected: yes.
Comment: Not observed at significant frequency in large population cohorts (gnomAD); In silico analysis indicates that this missense variant does not alter protein structure/function; Has not been previously published as pathogenic or benign to our knowledge

Neuberg Centre For Genomic Medicine, NCGM
Classification: Uncertain significance for Intellectual disability-facial dysmorphism syndrome due to SETD5 haploinsufficiency. Review status: criteria provided, single submitter. Criteria: ACMG Guidelines, 2015. Collection method: clinical testing. Allele origin: germline. Inheritance: Autosomal dominant inheritance. Affected: yes.

NM_001080517.3(SETD5):c.1920G>C (p.Gln640His)

Gene: SETD5 (SET domain containing 5; plus strand). Cytogenetic location: 3p25.3.
Variant type: single nucleotide variant.
Coding change: c.1920G>C on transcript NM_001080517.3 (MANE Select); coding-DNA position 1920, G replaced by C.
Protein change: p.Gln640His; replaces glutamine 640 with histidine.
Molecular consequence: missense variant.
Genome position (GRCh38, 1-based): chr3:9,447,823, G>C. VCF-style: chr3-9447823-G-C. GRCh37 (hg19) VCF-style: chr3-9489507-G-C.
Other names: c.1626G>C, p.Gln542His (NM_001292043.2, NM_001349451.2); short protein forms Q542H, Q640H.
Identifiers: ClinVar variation 3776606 (VCV003776606.1).